The following is an entry in ClinVar:

NM_006904.7(PRKDC):c.1103T>C (p.Leu368Pro)

Gene: PRKDC (protein kinase, DNA-activated, catalytic subunit; minus strand). Cytogenetic location: 8q11.21.
Variant type: single nucleotide variant.
Coding change: c.1103T>C on transcript NM_006904.7 (MANE Select); coding-DNA position 1103, T replaced by C.
Protein change: p.Leu368Pro; replaces leucine 368 with proline.
Molecular consequence: missense variant.
Genome position (GRCh38, 1-based): chr8:47,939,561, A>G on the plus strand (T>C on the coding strand, the complement: PRKDC is on the minus strand). VCF-style: chr8-47939561-A-G. GRCh37 (hg19) VCF-style: chr8-48852121-A-G.
Other names: c.1103T>C, p.Leu368Pro (NM_001081640.2); short protein forms L368P.
Identifiers: ClinVar variation 969398 (VCV000969398.8), dbSNP rs2090407081, ClinGen allele CA371166563.

ClinVar aggregate classification (germline): Uncertain significance (1 of 4 stars; one submission).

Conditions:
Severe combined immunodeficiency due to DNA-PKcs deficiency. Also called: IMMUNODEFICIENCY 26 WITH NEUROLOGIC ABNORMALITIES; Immunodeficiency 26 with or without neurologic abnormalities. Identifiers: Orphanet 317425, MedGen C4014833, MONDO:0014423, OMIM 615966.

Submission:

Labcorp Genetics (formerly Invitae), Labcorp
Classification: Uncertain significance for Severe combined immunodeficiency due to DNA-PKcs deficiency. Last evaluated: 2019-11-06. Review status: criteria provided, single submitter. Criteria: Invitae Variant Classification Sherloc (09022015). Collection method: clinical testing. Allele origin: germline.
Comment: This sequence change replaces leucine with proline at codon 368 of the PRKDC protein (p.Leu368Pro). The leucine residue is moderately conserved and there is a moderate physicochemical difference between leucine and proline. This variant is not present in population databases (ExAC no frequency). This variant has not been reported in the literature in individuals with PRKDC-related conditions. Algorithms developed to predict the effect of missense changes on protein structure and function are either unavailable or do not agree on the potential impact of this missense change (SIFT: "Deleterious"; PolyPhen-2: "Not available"; Align-GVGD: "Class C0"). In summary, the available evidence is currently insufficient to determine the role of this variant in disease. Therefore, it has been classified as a Variant of Uncertain Significance.